The following is an entry in ClinVar:

NM_198428.3(BBS9):c.545G>C (p.Gly182Ala)

Gene: BBS9 (Bardet-Biedl syndrome 9; plus strand). Cytogenetic location: 7p14.3.
Variant type: single nucleotide variant.
Coding change: c.545G>C on transcript NM_198428.3 (MANE Select); coding-DNA position 545, G replaced by C.
Protein change: p.Gly182Ala; replaces glycine 182 with alanine.
Molecular consequence: missense variant. On other transcripts: non-coding transcript variant (3).
Genome position (GRCh38, 1-based): chr7:33,257,338, G>C. VCF-style: chr7-33257338-G-C. GRCh37 (hg19) VCF-style: chr7-33296950-G-C.
Other names: c.545G>C, p.Gly182Ala (NM_001033604.2, NM_001033605.2, NM_001348036.1 and 5 more transcripts); c.179G>C, p.Gly60Ala (NM_001348037.3, NM_001348044.3, NM_001348045.3 and 1 more transcripts); c.272G>C, p.Gly91Ala (NM_001348038.3, NM_001348039.3); c.410G>C, p.Gly137Ala (NM_001348042.3); short protein forms G137A, G182A, G60A, G91A.
Identifiers: ClinVar variation 4853532 (VCV004853532.1).

ClinVar aggregate classification (germline): Uncertain significance (1 of 4 stars; one submission).

gnomAD v4.1: 1 of 1,613,890 alleles (0.000062%); highest among the groups gnomAD compares: Non-Finnish European, 0.000085%; no homozygotes.

Submission:

Women's Health and Genetics/Laboratory Corporation of America, LabCorp
Classification: Uncertain significance. Last evaluated: 2026-05-06. Review status: criteria provided, single submitter. Criteria: LabCorp Variant Classification Summary - May 2015. Collection method: clinical testing. Allele origin: germline.
Comment: Variant summary: BBS9 c.545G>C (p.Gly182Ala) results in a non-conservative amino acid change in the encoded protein sequence. Algorithms developed to predict the effect of missense changes on protein structure and function all suggest that this variant is likely to be disruptive. The variant allele was found at a frequency of 4e-06 in 251248 control chromosomes. The available data on variant occurrences in the general population are insufficient to allow any conclusion about variant significance. c.545G>C has been observed in a heterozygous individual affected with suspected Bardet-Biedl Syndrome without detected second variant (e.g. Stellacci_2024). These report(s) do not provide unequivocal conclusions about association of the variant with Bardet-Biedl Syndrome. To our knowledge, no experimental evidence demonstrating an impact on protein function has been reported. The following publication has been ascertained in the context of this evaluation (PMID: 39125883). No submitters have cited clinical-significance assessments for this variant to ClinVar. Based on the evidence outlined above, the variant was classified as uncertain significance.

Literature cited by the submitters: PubMed 39125883.